The following is an entry in ClinVar:

NM_001753.5(CAV1):c.229G>A (p.Gly77Arg)

Gene: CAV1 (caveolin 1; plus strand). Cytogenetic location: 7q31.2.
Variant type: single nucleotide variant.
Coding change: c.229G>A on transcript NM_001753.5 (MANE Select); coding-DNA position 229, G replaced by A.
Protein change: p.Gly77Arg; replaces glycine 77 with arginine.
Molecular consequence: missense variant.
Genome position (GRCh38, 1-based): chr7:116,558,979, G>A. VCF-style: chr7-116558979-G-A. GRCh37 (hg19) VCF-style: chr7-116199033-G-A.
Other names: c.136G>A, p.Gly46Arg (NM_001172895.1, NM_001172896.2, NM_001172897.2); short protein forms G46R, G77R.
Identifiers: ClinVar variation 2914806 (VCV002914806.3), dbSNP rs1431618682, ClinGen allele CA369117028.

ClinVar aggregate classification (germline): Uncertain significance (1 of 4 stars; one submission).

Conditions:
Pulmonary hypertension, primary, 3. Identifiers: Orphanet 422, MedGen C3809192, MONDO:0014135, OMIM 615343.

Allele frequency attached by ClinVar (database versions not stated): gnomAD exomes below 0.00001; gnomAD 0.00001; TOPMed 0.00002.
gnomAD v4.1: 3 of 1,613,692 alleles (0.00019%); highest among the groups gnomAD compares: Non-Finnish European, 0.00025%; no homozygotes.

Submission:

Labcorp Genetics (formerly Invitae), Labcorp
Classification: Uncertain significance for Pulmonary hypertension, primary, 3. Last evaluated: 2024-01-23. Review status: criteria provided, single submitter. Criteria: Invitae Variant Classification Sherloc (09022015). Collection method: clinical testing. Allele origin: germline.
Comment: This sequence change replaces glycine, which is neutral and non-polar, with arginine, which is basic and polar, at codon 77 of the CAV1 protein (p.Gly77Arg). This variant is not present in population databases (gnomAD no frequency). This variant has not been reported in the literature in individuals affected with CAV1-related conditions. An algorithm developed to predict the effect of missense changes on protein structure and function (PolyPhen-2) suggests that this variant is likely to be disruptive. In summary, the available evidence is currently insufficient to determine the role of this variant in disease. Therefore, it has been classified as a Variant of Uncertain Significance.